The following is an entry in ClinVar:

NM_000038.6(APC):c.-8A>G

Gene: APC (APC regulator of Wnt signaling pathway; plus strand). Cytogenetic location: 5q22.2.
Variant type: single nucleotide variant.
Coding change: c.-8A>G on transcript NM_000038.6 (MANE Select); 8 bases upstream of the start codon, A replaced by G.
Molecular consequence: 5 prime UTR variant. On other transcripts: intron variant (8).
Genome position (GRCh38, 1-based): chr5:112,754,883, A>G. VCF-style: chr5-112754883-A-G. GRCh37 (hg19) VCF-style: chr5-112090580-A-G.
Other names: c.-8A>G (NM_001127510.3, NM_001354895.2, NM_001354896.2 and 2 more transcripts); c.-1043A>G (NM_001354906.2); c.166-11443A>G (NM_001354897.2, NM_001354902.2, NM_001127511.3); c.61-11443A>G (NM_001354898.2, NM_001354904.2); c.-42-11443A>G (NM_001354900.2, NM_001354901.2, NM_001354905.2).
Identifiers: ClinVar variation 924049 (VCV000924049.3), dbSNP rs1333547771, ClinGen allele CA561899849.

ClinVar aggregate classification (germline): Uncertain significance (1 of 4 stars; one submission).

Conditions:
Hereditary cancer-predisposing syndrome. Also called: Neoplastic Syndromes, Hereditary; Tumor predisposition; Hereditary Cancer Syndrome; Hereditary neoplastic syndrome. Identifiers: Orphanet 140162, MedGen C0027672, MeSH D009386, MONDO:0015356.

Allele frequency attached by ClinVar (database versions not stated): gnomAD exomes below 0.00001.
gnomAD v4.1: 1 of 1,613,626 alleles (0.000062%); highest among the groups gnomAD compares: Admixed American, 0.0017%; no homozygotes.

Submission:

Color Diagnostics, LLC DBA Color Health
Classification: Uncertain significance for Hereditary cancer-predisposing syndrome. Last evaluated: 2019-11-06. Review status: criteria provided, single submitter. Criteria: ACMG Guidelines, 2015. Collection method: clinical testing. Allele origin: germline.
Comment: This variant is located in the 5’ untranslated region of the APC gene. Splice site prediction tools suggest that this variant may not impact RNA splicing. To our knowledge, functional studies have not been performed for this variant. This variant has not been reported in individuals affected with hereditary cancer in the literature. This variant has been identified in 1/251284 chromosomes in the general population by the Genome Aggregation Database (gnomAD). The available evidence is insufficient to determine the role of this variant in disease conclusively. Therefore, this variant is classified as a Variant of Uncertain Significance.